The following is an entry in ClinVar:

NM_000090.4(COL3A1):c.2848G>T (p.Ala950Ser)

Gene: COL3A1 (collagen type III alpha 1 chain; plus strand). Cytogenetic location: 2q32.2.
Variant type: single nucleotide variant.
Coding change: c.2848G>T on transcript NM_000090.4 (MANE Select); coding-DNA position 2848, G replaced by T.
Protein change: p.Ala950Ser; replaces alanine 950 with serine.
Molecular consequence: missense variant.
Genome position (GRCh38, 1-based): chr2:189,004,281, G>T. VCF-style: chr2-189004281-G-T. GRCh37 (hg19) VCF-style: chr2-189869007-G-T.
Other names: short protein forms A950S.
Identifiers: ClinVar variation 4777907 (VCV004777907.1).

ClinVar aggregate classification (germline): Uncertain significance (1 of 4 stars; one submission).

Conditions:
Ehlers-Danlos syndrome, type 4 (EDSVASC). Also called: Ehlers-Danlos syndrome vascular type; Ehlers Danlos syndrome, ecchymotic type; Ehlers Danlos syndrome, arterial type; Ehlers Danlos syndrome, Sack-Barabas type; Ehlers-Danlos Syndrome Type IV. Identifiers: Orphanet 286, MedGen C0268338, MONDO:0017314, OMIM 130050.

Submission:

Labcorp Genetics (formerly Invitae), Labcorp
Classification: Uncertain significance for Ehlers-Danlos syndrome, type 4. Last evaluated: 2025-02-10. Review status: criteria provided, single submitter. Criteria: Invitae Variant Classification Sherloc (09022015). Collection method: clinical testing. Allele origin: germline.
Comment: This sequence change replaces alanine, which is neutral and non-polar, with serine, which is neutral and polar, at codon 950 of the COL3A1 protein (p.Ala950Ser). This variant is not present in population databases (gnomAD no frequency). This variant has not been reported in the literature in individuals affected with COL3A1-related conditions. Invitae Evidence Modeling of protein sequence and biophysical properties (such as structural, functional, and spatial information, amino acid conservation, physicochemical variation, residue mobility, and thermodynamic stability) indicates that this missense variant is not expected to disrupt COL3A1 protein function with a negative predictive value of 95%. In summary, the available evidence is currently insufficient to determine the role of this variant in disease. Therefore, it has been classified as a Variant of Uncertain Significance.